The following is an entry in ClinVar:

ClinVar aggregate classification (germline): Uncertain significance. Review status: criteria provided, multiple submitters, no conflicts (2 of 4 stars). 2 submissions from 2 submitters: Uncertain significance (2). Last evaluated 2023-11-13.

Conditions:
FGFR2-related craniosynostosis. Identifiers: MedGen CN231480.

Allele frequency attached by ClinVar (database versions not stated): ExAC 0.00001; gnomAD exomes 0.00001.
gnomAD v4.1: 3 of 1,613,750 alleles (0.00019%); highest among the groups gnomAD compares: East Asian, 0.0022%; no homozygotes.

Submissions (2):

GeneDx
Classification: Uncertain significance. Last evaluated: 2023-11-13. Review status: criteria provided, single submitter. Criteria: GeneDx Variant Classification Process June 2021. Collection method: clinical testing. Allele origin: germline. Affected: yes.
Comment: In silico analysis supports that this missense variant does not alter protein structure/function; Has not been previously published as pathogenic or benign to our knowledge

Labcorp Genetics (formerly Invitae), Labcorp
Classification: Uncertain significance for FGFR2-related craniosynostosis. Last evaluated: 2023-09-10. Review status: criteria provided, single submitter. Criteria: Invitae Variant Classification Sherloc (09022015). Collection method: clinical testing. Allele origin: germline.
Comment: This sequence change replaces lysine, which is basic and polar, with arginine, which is basic and polar, at codon 601 of the FGFR2 protein (p.Lys601Arg). This variant is present in population databases (rs780587674, gnomAD 0.006%). In summary, the available evidence is currently insufficient to determine the role of this variant in disease. Therefore, it has been classified as a Variant of Uncertain Significance. Advanced modeling of protein sequence and biophysical properties (such as structural, functional, and spatial information, amino acid conservation, physicochemical variation, residue mobility, and thermodynamic stability) has been performed at Invitae for this missense variant, however the output from this modeling did not meet the statistical confidence thresholds required to predict the impact of this variant on FGFR2 protein function. This variant has not been reported in the literature in individuals affected with FGFR2-related conditions.

NM_000141.5(FGFR2):c.1802A>G (p.Lys601Arg)

Gene: FGFR2 (fibroblast growth factor receptor 2; minus strand). Cytogenetic location: 10q26.13.
Variant type: single nucleotide variant.
Coding change: c.1802A>G on transcript NM_000141.5 (MANE Select); coding-DNA position 1802, A replaced by G.
Protein change: p.Lys601Arg; replaces lysine 601 with arginine.
Molecular consequence: missense variant. On other transcripts: non-coding transcript variant (1).
Genome position (GRCh38, 1-based): chr10:121,496,593, T>C on the plus strand (A>G on the coding strand, the complement: FGFR2 is on the minus strand). VCF-style: chr10-121496593-T-C. GRCh37 (hg19) VCF-style: chr10-123256107-T-C.
Other names: c.1805A>G, p.Lys602Arg (NM_001144913.1, NM_022970.4); c.1466A>G, p.Lys489Arg (NM_001144914.1); c.1535A>G, p.Lys512Arg (NM_001144915.2, NM_023029.3); c.1457A>G, p.Lys486Arg (NM_001144916.2); c.1454A>G, p.Lys485Arg (NM_001144917.2); c.1451A>G, p.Lys484Arg (NM_001144918.2); c.1538A>G, p.Lys513Arg (NM_001144919.2); c.1118A>G, p.Lys373Arg (NM_001320654.2); and 1 more; short protein forms K373R, K484R, K489R, K512R, K599R, K486R, K602R, K485R.
Identifiers: ClinVar variation 2885269 (VCV002885269.4), dbSNP rs780587674, ClinGen allele CA5720649.
Genomic context (GRCh38, chr10:121,496,593, plus strand): 5'-TTTTGGGAAGCCAAGTACTCCATGCCTCTGGCCAGCTGGTAGGTGCATGACACCAAGTCC[T>C]TGAAGGTCATCTGCTCCTCAGGAACACGGTTAATGTCATAGGAGTACTCCATCCCGGGTG-3'
Protein context (NP_000132.3, residues 591-611): NRVPEEQMTF[Lys601Arg]DLVSCTYQLA